The following is an entry in ClinVar:

ClinVar aggregate classification (germline): Uncertain significance (1 of 4 stars; one submission).

Submission:

GeneDx
Classification: Uncertain significance. Last evaluated: 2022-12-05. Review status: criteria provided, single submitter. Criteria: GeneDx Variant Classification Process June 2021. Collection method: clinical testing. Allele origin: germline. Affected: yes.
Comment: Not observed at significant frequency in large population cohorts (gnomAD); In silico analysis supports that this variant does not alter splicing; Has not been previously published as pathogenic or benign to our knowledge

NM_133259.4(LRPPRC):c.2297-8C>A

Gene: LRPPRC (leucine rich pentatricopeptide repeat containing; minus strand). Cytogenetic location: 2p21.
Variant type: single nucleotide variant.
Coding change: c.2297-8C>A on transcript NM_133259.4 (MANE Select); 8 bases into the intron before coding-DNA position 2297, C replaced by A.
Molecular consequence: intron variant.
Genome position (GRCh38, 1-based): chr2:43,943,902, G>T on the plus strand (C>A on the coding strand, the complement: LRPPRC is on the minus strand). VCF-style: chr2-43943902-G-T. GRCh37 (hg19) VCF-style: chr2-44171041-G-T.
Identifiers: ClinVar variation 2504392 (VCV002504392.1), dbSNP rs1672583677, ClinGen allele CA2580611270.